The following is an entry in ClinVar:

NM_020928.2(ZSWIM6):c.3407C>G (p.Ala1136Gly)

Gene: ZSWIM6 (zinc finger SWIM-type containing 6; plus strand). Cytogenetic location: 5q12.1.
Variant type: single nucleotide variant.
Coding change: c.3407C>G on transcript NM_020928.2 (MANE Select); coding-DNA position 3407, C replaced by G.
Protein change: p.Ala1136Gly; replaces alanine 1136 with glycine.
Molecular consequence: missense variant.
Genome position (GRCh38, 1-based): chr5:61,544,076, C>G. VCF-style: chr5-61544076-C-G. GRCh37 (hg19) VCF-style: chr5-60839903-C-G.
Other names: short protein forms A1136G.
Identifiers: ClinVar variation 2697082 (VCV002697082.3), dbSNP rs1258645752, ClinGen allele CA359947535.

ClinVar aggregate classification (germline): Uncertain significance (1 of 4 stars; one submission).

Allele frequency attached by ClinVar (database versions not stated): gnomAD exomes below 0.00001.
gnomAD v4.1: 1 of 1,551,998 alleles (0.000064%); highest among the groups gnomAD compares: Admixed American, 0.002%; no homozygotes.

Submission:

Labcorp Genetics (formerly Invitae), Labcorp
Classification: Uncertain significance. Last evaluated: 2023-11-18. Review status: criteria provided, single submitter. Criteria: Invitae Variant Classification Sherloc (09022015). Collection method: clinical testing. Allele origin: germline.
Comment: This sequence change replaces alanine, which is neutral and non-polar, with glycine, which is neutral and non-polar, at codon 1136 of the ZSWIM6 protein (p.Ala1136Gly). This variant is present in population databases (no rsID available, gnomAD 0.004%). This variant has not been reported in the literature in individuals affected with ZSWIM6-related conditions. Advanced modeling of protein sequence and biophysical properties (such as structural, functional, and spatial information, amino acid conservation, physicochemical variation, residue mobility, and thermodynamic stability) performed at Invitae indicates that this missense variant is not expected to disrupt ZSWIM6 protein function with a negative predictive value of 80%. In summary, the available evidence is currently insufficient to determine the role of this variant in disease. Therefore, it has been classified as a Variant of Uncertain Significance.